The following is an entry in ClinVar:

NM_017612.5(ZCCHC8):c.1442C>T (p.Pro481Leu)

Gene: ZCCHC8 (zinc finger CCHC-type containing 8; minus strand). Cytogenetic location: 12q24.31.
Variant type: single nucleotide variant.
Coding change: c.1442C>T on transcript NM_017612.5 (MANE Select); coding-DNA position 1442, C replaced by T.
Protein change: p.Pro481Leu; replaces proline 481 with leucine.
Molecular consequence: missense variant.
Genome position (GRCh38, 1-based): chr12:122,474,179, G>A on the plus strand (C>T on the coding strand, the complement: ZCCHC8 is on the minus strand). VCF-style: chr12-122474179-G-A. GRCh37 (hg19) VCF-style: chr12-122958726-G-A.
Other names: c.1211C>T, p.Pro404Leu (NM_001350935.2); c.1145C>T, p.Pro382Leu (NM_001350936.2); c.728C>T, p.Pro243Leu (NM_001350937.2, NM_001350938.2); short protein forms P243L, P382L, P404L, P481L.
Identifiers: ClinVar variation 4082802 (VCV004082802.1).

ClinVar aggregate classification (germline): Uncertain significance (1 of 4 stars; one submission).

gnomAD v4.1: 4 of 1,515,588 alleles (0.00026%); highest among the groups gnomAD compares: Non-Finnish European, 0.00026%; no homozygotes.

Submission:

GeneDx
Classification: Uncertain significance. Last evaluated: 2025-03-03. Review status: criteria provided, single submitter. Criteria: GeneDx Variant Classification Process June 2021. Collection method: clinical testing. Allele origin: germline. Affected: yes.
Comment: In silico analysis supports that this missense variant has a deleterious effect on protein structure/function; Has not been previously published as pathogenic or benign to our knowledge